The following is an entry in ClinVar:

ClinVar aggregate classification (germline): Uncertain significance. Review status: criteria provided, multiple submitters, no conflicts (2 of 4 stars). 2 submissions from 2 submitters: Uncertain significance (2). Last evaluated 2025-01-24.

Conditions:
Autosomal dominant limb-girdle muscular dystrophy type 1D (DNAJB6) (LGMDD1). Also called: MUSCULAR DYSTROPHY, LIMB-GIRDLE, TYPE 1D; Autosomal dominant limb-girdle muscular dystrophy type 1D; Muscular dystrophy, limb-girdle, autosomal dominant 1; MUSCULAR DYSTROPHY, AUTOSOMAL DOMINANT, WITH RIMMED VACUOLES. Identifiers: Orphanet 34516, MedGen C4721885, MONDO:0021018, OMIM 603511.

Allele frequency attached by ClinVar (database versions not stated): ExAC 0.00001; gnomAD exomes 0.00001.
gnomAD v4.1: 8 of 1,609,616 alleles (0.0005%); highest among the groups gnomAD compares: South Asian, 0.0022%; no homozygotes.

Submissions (3):

GeneDx
Classification: Uncertain significance. Last evaluated: 2025-01-24. Review status: criteria provided, single submitter. Criteria: GeneDx Variant Classification Process June 2021. Collection method: clinical testing. Allele origin: germline. Affected: yes.
Comment: Missense variants in this gene are a common cause of disease and they are underrepresented in the general population; In silico analysis supports that this missense variant has a deleterious effect on protein structure/function; In silico analysis supports a deleterious effect on splicing; Has not been previously published as pathogenic or benign to our knowledge

Labcorp Genetics (formerly Invitae), Labcorp
Classification: Uncertain significance for Autosomal dominant limb-girdle muscular dystrophy type 1D (DNAJB6). Last evaluated: 2023-06-03. Review status: criteria provided, single submitter. Criteria: Invitae Variant Classification Sherloc (09022015). Collection method: clinical testing. Allele origin: germline.
Comment: This variant is present in population databases (rs760657136, gnomAD 0.003%). This variant has not been reported in the literature in individuals affected with DNAJB6-related conditions. An algorithm developed to predict the effect of missense changes on protein structure and function (PolyPhen-2) suggests that this variant is likely to be disruptive. Algorithms developed to predict the effect of sequence changes on RNA splicing suggest that this variant may create or strengthen a splice site. In summary, the available evidence is currently insufficient to determine the role of this variant in disease. Therefore, it has been classified as a Variant of Uncertain Significance. This sequence change replaces alanine, which is neutral and non-polar, with valine, which is neutral and non-polar, at codon 22 of the DNAJB6 protein (p.Ala22Val).

Dr. Peter K. Rogan Lab, Western University
No classification provided (evidence only). Condition: Glioma susceptibility 1. Review status: no classification provided. Collection method: in vitro. Allele origin: not applicable. Functional consequence: cryptic splice site. Not counted in ClinVar's aggregate classification.

NM_058246.4(DNAJB6):c.65C>T (p.Ala22Val)

Gene: DNAJB6 (DnaJ heat shock protein family (Hsp40) member B6; plus strand). Cytogenetic location: 7q36.3.
Variant type: single nucleotide variant.
Coding change: c.65C>T on transcript NM_058246.4 (MANE Select); coding-DNA position 65, C replaced by T.
Protein change: p.Ala22Val; replaces alanine 22 with valine.
Molecular consequence: missense variant.
Genome position (GRCh38, 1-based): chr7:157,358,637, C>T. VCF-style: chr7-157358637-C-T. GRCh37 (hg19) VCF-style: chr7-157151331-C-T.
Other names: c.65C>T, p.Ala22Val (NM_001363676.1, NM_005494.3); c.65C>T (NM_058246.3); short protein forms A22V.
Identifiers: ClinVar variation 2881078 (VCV002881078.5), dbSNP rs760657136, ClinGen allele CA4590330.